The following is an entry in ClinVar:

ClinVar aggregate classification (germline): Uncertain significance (1 of 4 stars; one submission).

Conditions:
Primary dilated cardiomyopathy (DCM). Also called: Dilated Cardiomyopathy. Identifiers: Orphanet 217604, MedGen C0007193, MeSH D002311, MONDO:0005021, HP:0001644. Inheritance: Various modes of inheritance.

Allele frequency attached by ClinVar (database versions not stated): gnomAD exomes below 0.00001; ExAC 0.00001; gnomAD 0.00001.
gnomAD v4.1: 2 of 1,612,728 alleles (0.00012%); highest among the groups gnomAD compares: East Asian, 0.0022%; no homozygotes.

Submission:

Labcorp Genetics (formerly Invitae), Labcorp
Classification: Uncertain significance for Primary dilated cardiomyopathy. Last evaluated: 2023-04-26. Review status: criteria provided, single submitter. Criteria: Invitae Variant Classification Sherloc (09022015). Collection method: clinical testing. Allele origin: germline.
Comment: In summary, the available evidence is currently insufficient to determine the role of this variant in disease. Therefore, it has been classified as a Variant of Uncertain Significance. Algorithms developed to predict the effect of missense changes on protein structure and function output the following: SIFT: "Not Available"; PolyPhen-2: "Benign"; Align-GVGD: "Not Available". The leucine amino acid residue is found in multiple mammalian species, which suggests that this missense change does not adversely affect protein function. This variant has not been reported in the literature in individuals affected with NEBL-related conditions. This variant is present in population databases (rs779332817, gnomAD 0.007%). This sequence change replaces proline, which is neutral and non-polar, with leucine, which is neutral and non-polar, at codon 214 of the NEBL protein (p.Pro214Leu).

NM_006393.3(NEBL):c.641C>T (p.Pro214Leu)

Gene: NEBL (nebulette; minus strand). Cytogenetic location: 10p12.31.
Variant type: single nucleotide variant.
Coding change: c.641C>T on transcript NM_006393.3 (MANE Select); coding-DNA position 641, C replaced by T.
Protein change: p.Pro214Leu; replaces proline 214 with leucine.
Molecular consequence: missense variant. On other transcripts: intron variant (9).
Genome position (GRCh38, 1-based): chr10:20,868,707, G>A on the plus strand (C>T on the coding strand, the complement: NEBL is on the minus strand). VCF-style: chr10-20868707-G-A. GRCh37 (hg19) VCF-style: chr10-21157636-G-A.
Other names: c.250-55767C>T (NM_001377326.1, NM_001377327.1, NM_001377328.1); c.358-55767C>T (NM_213569.2, NM_001173484.2, NM_001377322.1); c.301-55767C>T (NM_001377324.1); c.292-55767C>T (NM_001377325.1); c.310-55767C>T (NM_001377323.1); short protein forms P214L.
Identifiers: ClinVar variation 2955082 (VCV002955082.3), dbSNP rs779332817, ClinGen allele CA5433166.